The following is an entry in ClinVar:

NM_015836.4(WARS2):c.818C>T (p.Ser273Phe)

Gene: WARS2 (tryptophanyl tRNA synthetase 2, mitochondrial; minus strand). Cytogenetic location: 1p12.
Variant type: single nucleotide variant.
Coding change: c.818C>T on transcript NM_015836.4 (MANE Select); coding-DNA position 818, C replaced by T.
Protein change: p.Ser273Phe; replaces serine 273 with phenylalanine.
Molecular consequence: missense variant. On other transcripts: 3 prime UTR variant (2).
Genome position (GRCh38, 1-based): chr1:119,033,176, G>A on the plus strand (C>T on the coding strand, the complement: WARS2 is on the minus strand). VCF-style: chr1-119033176-G-A. GRCh37 (hg19) VCF-style: chr1-119575799-G-A.
Other names: c.749C>T, p.Ser250Phe (NM_001378226.1, NM_001378227.1); c.647C>T, p.Ser216Phe (NM_001378228.1); c.560C>T, p.Ser187Phe (NM_001378229.1); c.536C>T, p.Ser179Phe (NM_001378230.1); c.*153C>T (NM_001378231.1); c.*184C>T (NM_201263.2); short protein forms S179F, S187F, S216F, S250F, S273F.
Identifiers: ClinVar variation 3360454 (VCV003360454.1).
Genomic context (GRCh38, chr1:119,033,176, plus strand): 5'-CGGCGCACCACTTCCTCCACGGAGAGCCCCGTCACCGCGGCATGCACCGCCACTATGTTG[G>A]ACACGCCAGCGCGGCCAGCCGGGTCATAGGTGACCTCCGAGGTGAAGTCTGTCACAGCCT-3'
Protein context (NP_056651.1, residues 263-283): TYDPAGRAGV[Ser273Phe]NIVAVHAAVT

ClinVar aggregate classification (germline): Uncertain significance (1 of 4 stars; one submission).

Submission:

GeneDx
Classification: Uncertain significance. Last evaluated: 2023-06-26. Review status: criteria provided, single submitter. Criteria: GeneDx Variant Classification Process June 2021. Collection method: clinical testing. Allele origin: germline. Affected: yes.
Comment: Not observed at significant frequency in large population cohorts (gnomAD); In silico analysis supports that this missense variant has a deleterious effect on protein structure/function; Has not been previously published as pathogenic or benign to our knowledge